The following is an entry in ClinVar:

ClinVar aggregate classification (germline): Uncertain significance (1 of 4 stars; one submission).

Conditions:
Diffuse cerebral and cerebellar atrophy - intractable seizures - progressive microcephaly syndrome. Also called: Microcephaly, progressive, with seizures and cerebral and cerebellar atrophy. Identifiers: Orphanet 404437, MedGen C4014239, MONDO:0014335, OMIM 615760.

Allele frequency attached by ClinVar (database versions not stated): TOPMed 0.00002.
gnomAD v4.1: 40 of 1,614,026 alleles (0.0025%); highest among the groups gnomAD compares: East Asian, 0.0045%; no homozygotes.

Submission:

Labcorp Genetics (formerly Invitae), Labcorp
Classification: Uncertain significance for Diffuse cerebral and cerebellar atrophy - intractable seizures - progressive microcephaly syndrome. Last evaluated: 2025-01-21. Review status: criteria provided, single submitter. Criteria: Invitae Variant Classification Sherloc (09022015). Collection method: clinical testing. Allele origin: germline.
Comment: This sequence change replaces arginine, which is basic and polar, with tryptophan, which is neutral and slightly polar, at codon 576 of the QARS protein (p.Arg576Trp). This variant is present in population databases (rs780301490, gnomAD 0.01%). This missense change has been observed in individual(s) with clinical features of QARS-related conditions (internal data). ClinVar contains an entry for this variant (Variation ID: 1013860). Invitae Evidence Modeling of protein sequence and biophysical properties (such as structural, functional, and spatial information, amino acid conservation, physicochemical variation, residue mobility, and thermodynamic stability) has been performed for this missense variant. However, the output from this modeling did not meet the statistical confidence thresholds required to predict the impact of this variant on QARS protein function. In summary, the available evidence is currently insufficient to determine the role of this variant in disease. Therefore, it has been classified as a Variant of Uncertain Significance.

NM_005051.3(QARS1):c.1726C>T (p.Arg576Trp)

Gene: QARS1 (glutaminyl-tRNA synthetase 1; minus strand). Cytogenetic location: 3p21.31.
Variant type: single nucleotide variant.
Coding change: c.1726C>T on transcript NM_005051.3 (MANE Select); coding-DNA position 1726, C replaced by T.
Protein change: p.Arg576Trp; replaces arginine 576 with tryptophan.
Molecular consequence: missense variant. On other transcripts: non-coding transcript variant (1).
Genome position (GRCh38, 1-based): chr3:49,099,142, G>A on the plus strand (C>T on the coding strand, the complement: QARS1 is on the minus strand). VCF-style: chr3-49099142-G-A. GRCh37 (hg19) VCF-style: chr3-49136575-G-A.
Other names: c.1693C>T, p.Arg565Trp (NM_001272073.2); short protein forms R565W, R576W.
Identifiers: ClinVar variation 1013860 (VCV001013860.3), dbSNP rs780301490, ClinGen allele CA2391668.